The following is an entry in ClinVar:

ClinVar aggregate classification (germline): Uncertain significance. Review status: criteria provided, multiple submitters, no conflicts (2 of 4 stars). 2 submissions from 2 submitters: Uncertain significance (2). Last evaluated 2025-11-25.

Allele frequency attached by ClinVar (database versions not stated): TOPMed 0.00001; 1000 Genomes Project 30x 0.00042.
gnomAD v4.1: 4 of 1,209,743 alleles (0.00033%); highest among the groups gnomAD compares: African/African-American, 0.007%; no homozygotes.

Submissions (2):

Ambry Genetics
Classification: Uncertain significance. Last evaluated: 2025-11-25. Review status: criteria provided, single submitter. Criteria: Ambry Variant Classification Scheme 2023. Collection method: clinical testing. Allele origin: germline.

Labcorp Genetics (formerly Invitae), Labcorp
Classification: Uncertain significance. Last evaluated: 2024-07-15. Review status: criteria provided, single submitter. Criteria: Invitae Variant Classification Sherloc (09022015). Collection method: clinical testing. Allele origin: germline.
Comment: This sequence change replaces lysine, which is basic and polar, with asparagine, which is neutral and polar, at codon 947 of the NEXMIF protein (p.Lys947Asn). This variant is present in population databases (rs772632995, gnomAD 0.02%). This variant has not been reported in the literature in individuals affected with NEXMIF-related conditions. ClinVar contains an entry for this variant (Variation ID: 959772). An algorithm developed to predict the effect of missense changes on protein structure and function (PolyPhen-2) suggests that this variant is likely to be disruptive. In summary, the available evidence is currently insufficient to determine the role of this variant in disease. Therefore, it has been classified as a Variant of Uncertain Significance.

NM_001008537.3(NEXMIF):c.2841G>T (p.Lys947Asn)

Gene: NEXMIF (neurite extension and migration factor; minus strand). Cytogenetic location: Xq13.3.
Variant type: single nucleotide variant.
Coding change: c.2841G>T on transcript NM_001008537.3 (MANE Select); coding-DNA position 2841, G replaced by T.
Protein change: p.Lys947Asn; replaces lysine 947 with asparagine.
Molecular consequence: missense variant.
Genome position (GRCh38, 1-based): chrX:74,741,716, C>A on the plus strand (G>T on the coding strand, the complement: NEXMIF is on the minus strand). VCF-style: chrX-74741716-C-A. GRCh37 (hg19) VCF-style: chrX-73961551-C-A.
Other names: short protein forms K947N.
Identifiers: ClinVar variation 959772 (VCV000959772.11), dbSNP rs772632995, ClinGen allele CA10455004.
Genomic context (GRCh38, chrX:74,741,716, plus strand): 5'-ACATAATTGGTAAGAGTCATCAGATGGGAGTTGGGTATCTTGCATGGAGTCATACAGGAC[C>A]TTGTTGCAATTACTGCCACCACTATTGAGACAGATTGGATTGTATGTTGTAGGTGTGAGG-3'
Protein context (NP_001008537.1, residues 937-957): CLNSGGSNCN[Lys947Asn]VLYDSMQDTQ